The following is an entry in ClinVar:

ClinVar aggregate classification (germline): Likely pathogenic (1 of 4 stars; one submission).

Conditions:
ACTA1-related disorder. Also called: ACTA1-related condition.

Submission:

3billion
Classification: Likely pathogenic for ACTA1-related disorder. Last evaluated: 2026-01-27. Review status: criteria provided, single submitter. Criteria: ACMG Guidelines, 2015. Collection method: clinical testing. Allele origin: germline. Affected: yes.
Comment: The variant is not observed in the gnomAD v4.1.0 dataset. Predicted Consequence/Location: Missense variant. Missense changes are a common disease-causing mechanism. In silico tool predictions suggest damaging effect of the variant on gene or gene product [REVEL: 0.95 (>=0.6, sensitivity 0.68 and specificity 0.92); 3Cnet: 0.99 (> 0.75, sensitivity 0.96 and precision 0.92)]. Different missense changes at the same codon (p.Gly38Ala, p.Gly38Asp) have been reported as pathogenic/likely pathogenic with strong evidence (ClinVar ID: VCV001054689, VCV002582823 /PMID: 19562689, 35810298). Therefore, this variant is classified as Likely pathogenic according to the recommendation of ACMG/AMP guideline.

Literature cited by the submitters: PubMed 19562689.

NM_001100.4(ACTA1):c.112G>T (p.Gly38Cys)

Gene: ACTA1 (actin alpha 1, skeletal muscle; minus strand). Cytogenetic location: 1q42.13.
Variant type: single nucleotide variant.
Coding change: c.112G>T on transcript NM_001100.4 (MANE Select); coding-DNA position 112, G replaced by T.
Protein change: p.Gly38Cys; replaces glycine 38 with cysteine.
Molecular consequence: missense variant.
Genome position (GRCh38, 1-based): chr1:229,433,004, C>A on the plus strand (G>T on the coding strand, the complement: ACTA1 is on the minus strand). VCF-style: chr1-229433004-C-A. GRCh37 (hg19) VCF-style: chr1-229568751-C-A.
Other names: short protein forms G38C.
Identifiers: ClinVar variation 4855875 (VCV004855875.1).